The following is an entry in ClinVar:

ClinVar aggregate classification (germline): Uncertain significance (1 of 4 stars; one submission).

Conditions:
Hereditary cancer-predisposing syndrome. Also called: Hereditary Cancer Syndrome; Hereditary neoplastic syndrome; Neoplastic Syndromes, Hereditary; Tumor predisposition. Identifiers: Orphanet 140162, MedGen C0027672, MeSH D009386, MONDO:0015356.

Submission:

Sema4
Classification: Uncertain significance for Hereditary cancer-predisposing syndrome. Last evaluated: 2022-01-13. Review status: criteria provided, single submitter. Criteria: Sema4 Curation Guidelines. Collection method: curation. Allele origin: germline.
Comment: The FH c.1237-13_1237-12insTCACTC variant has not been reported in the literature to our knowledge. It was not observed in the Genome Aggregation Database (PMID: 32461654). This variant has not been reported in ClinVar. Algorithms developed to predict the effect of sequence changes on RNA splicing suggest negative effect, though these predictions have not been confirmed by functional studies. The evidence is insufficient to meet ACMG/AMP criteria for classifying the variant as benign or pathogenic. Thus, the clinical significance of this variant is currently uncertain.

NM_000143.4(FH):c.1237-13_1237-12insCTCTCA

Gene: FH (fumarate hydratase; minus strand). Cytogenetic location: 1q43.
Variant type: Insertion.
Coding change: c.1237-13_1237-12insCTCTCA on transcript NM_000143.4 (MANE Select); 13 bases into the intron before coding-DNA position 1237 through 12 bases into the intron before coding-DNA position 1237, CTCTCA inserted.
Molecular consequence: intron variant.
Genome position: GRCh38 VCF-style: chr1-241500602-T-TGAGTGA. GRCh37 (hg19) VCF-style: chr1-241663902-T-TGAGTGA.
Identifiers: ClinVar variation 1692235 (VCV001692235.1), dbSNP rs1553340724, ClinGen allele CA733679880.